The following is an entry in ClinVar:

ClinVar aggregate classification (germline): Uncertain significance (1 of 4 stars; one submission).

Conditions:
Tyrosinemia type I (TYRSN1). Also called: HEPATORENAL TYROSINEMIA; FAH DEFICIENCY; Tyrosinemia type 1; Fumarylacetoacetase deficiency; Deficiency of fumarylacetoacetase. Identifiers: Orphanet 882, MedGen C0268490, MONDO:0010161, OMIM 276700. Disease mechanism: loss of function.

gnomAD v4.1: 4 of 1,614,126 alleles (0.00025%); highest among the groups gnomAD compares: South Asian, 0.0044%; no homozygotes.

Submission:

Labcorp Genetics (formerly Invitae), Labcorp
Classification: Uncertain significance for Tyrosinemia type I. Last evaluated: 2023-01-30. Review status: criteria provided, single submitter. Criteria: Invitae Variant Classification Sherloc (09022015). Collection method: clinical testing. Allele origin: germline.
Comment: In summary, the available evidence is currently insufficient to determine the role of this variant in disease. Therefore, it has been classified as a Variant of Uncertain Significance. Advanced modeling of protein sequence and biophysical properties (such as structural, functional, and spatial information, amino acid conservation, physicochemical variation, residue mobility, and thermodynamic stability) performed at Invitae indicates that this missense variant is not expected to disrupt FAH protein function. This variant has not been reported in the literature in individuals affected with FAH-related conditions. This variant is present in population databases (rs148153674, gnomAD 0.006%). This sequence change replaces asparagine, which is neutral and polar, with isoleucine, which is neutral and non-polar, at codon 276 of the FAH protein (p.Asn276Ile).

NM_000137.4(FAH):c.827A>T (p.Asn276Ile)

Gene: FAH (fumarylacetoacetate hydrolase; plus strand). Cytogenetic location: 15q25.1.
Variant type: single nucleotide variant.
Coding change: c.827A>T on transcript NM_000137.4 (MANE Select); coding-DNA position 827, A replaced by T.
Protein change: p.Asn276Ile; replaces asparagine 276 with isoleucine.
Molecular consequence: missense variant.
Genome position (GRCh38, 1-based): chr15:80,173,134, A>T. VCF-style: chr15-80173134-A-T. GRCh37 (hg19) VCF-style: chr15-80465476-A-T.
Other names: c.827A>T, p.Asn276Ile (NM_001374377.1, NM_001374380.1); short protein forms N276I.
Identifiers: ClinVar variation 3018029 (VCV003018029.3), dbSNP rs148153674, ClinGen allele CA7691343.